The following is an entry in ClinVar:

NM_001378778.1(MPDZ):c.1298G>A (p.Gly433Asp)

Gene: MPDZ (multiple PDZ domain crumbs cell polarity complex component; minus strand). Cytogenetic location: 9p23.
Variant type: single nucleotide variant.
Coding change: c.1298G>A on transcript NM_001378778.1 (MANE Select); coding-DNA position 1298, G replaced by A.
Protein change: p.Gly433Asp; replaces glycine 433 with aspartic acid.
Molecular consequence: missense variant.
Genome position (GRCh38, 1-based): chr9:13,206,092, C>T on the plus strand (G>A on the coding strand, the complement: MPDZ is on the minus strand). VCF-style: chr9-13206092-C-T. GRCh37 (hg19) VCF-style: chr9-13206091-C-T.
Other names: c.1298G>A, p.Gly433Asp (NM_001261406.2, NM_001261407.2, NM_001330637.2 and 14 more transcripts); short protein forms G433D.
Identifiers: ClinVar variation 1423699 (VCV001423699.3), dbSNP rs1426221014, ClinGen allele CA372943426.

ClinVar aggregate classification (germline): Uncertain significance (1 of 4 stars; one submission).

Allele frequency attached by ClinVar (database versions not stated): gnomAD exomes below 0.00001.
gnomAD v4.1: 2 of 1,596,892 alleles (0.00013%); highest among the groups gnomAD compares: African/African-American, 0.0027%; no homozygotes.

Submission:

Labcorp Genetics (formerly Invitae), Labcorp
Classification: Uncertain significance. Last evaluated: 2022-06-07. Review status: criteria provided, single submitter. Criteria: Invitae Variant Classification Sherloc (09022015). Collection method: clinical testing. Allele origin: germline.
Comment: This sequence change replaces glycine, which is neutral and non-polar, with aspartic acid, which is acidic and polar, at codon 433 of the MPDZ protein (p.Gly433Asp). The frequency data for this variant in the population databases is considered unreliable, as metrics indicate poor data quality at this position in the gnomAD database. This variant has not been reported in the literature in individuals affected with MPDZ-related conditions. ClinVar contains an entry for this variant (Variation ID: 1423699). Algorithms developed to predict the effect of missense changes on protein structure and function (SIFT, PolyPhen-2, Align-GVGD) all suggest that this variant is likely to be disruptive. In summary, the available evidence is currently insufficient to determine the role of this variant in disease. Therefore, it has been classified as a Variant of Uncertain Significance.